The following is an entry in ClinVar:

ClinVar aggregate classification (germline): Benign. Review status: criteria provided, single submitter (1 of 4 stars). 3 submissions from 2 submitters: Benign (2). 1 of the submissions does not count toward it. Last evaluated 2018-01-12.

Conditions:
Tuberous sclerosis 1 (TSC1). Identifiers: Orphanet 805, MedGen C1854465, MONDO:0008612, OMIM 191100.
Isolated focal cortical dysplasia type II (FCORD2). Also called: CORTICAL DYSPLASIA OF TAYLOR; Focal cortical dysplasia type II. Identifiers: Orphanet 268994, MedGen C1846385, MONDO:0011818, OMIM 607341, HP:0032051.
Tuberous sclerosis syndrome (TSC). Also called: Tuberous sclerosis; Tuberous Sclerosis Complex. Identifiers: Orphanet 805, MedGen C0041341, MONDO:0001734.

Allele frequency attached by ClinVar (database versions not stated): 1000 Genomes Project 0.00859; 1000 Genomes Project 30x 0.00968; gnomAD 0.01606 and 0.01681; TOPMed 0.01676; gnomAD exomes 0.01703.
gnomAD v4.1: 3,712 of 223,730 alleles (1.7%); highest among the groups gnomAD compares: Non-Finnish European, 2.3%; 48 homozygotes.

Submissions (3):

Illumina Laboratory Services, Illumina
Classification: Benign for Isolated focal cortical dysplasia type II. Last evaluated: 2018-01-12. Review status: criteria provided, single submitter. Criteria: ICSL Variant Classification Criteria 13 December 2019. Collection method: clinical testing. Allele origin: germline.
Comment: This variant was observed in the ICSL laboratory as part of a predisposition screen in an ostensibly healthy population. It had not been previously curated by ICSL or reported in the Human Gene Mutation Database (HGMD: prior to June 1st, 2018), and was therefore a candidate for classification through an automated scoring system. Utilizing variant allele frequency, disease prevalence and penetrance estimates, and inheritance mode, an automated score was calculated to assess if this variant is too frequent to cause the disease. Based on the score and internal cut-off values, a variant classified as benign is not then subjected to further curation. The score for this variant resulted in a classification of benign for this disease.

Illumina Laboratory Services, Illumina
Classification: Benign for Tuberous sclerosis 1. Last evaluated: 2018-01-12. Review status: criteria provided, single submitter. Criteria: ICSL Variant Classification Criteria 13 December 2019. Collection method: clinical testing. Allele origin: germline.
Comment: the same text as in the submission from Illumina Laboratory Services, Illumina above.

Tuberous sclerosis database (TSC1)
No classification provided. Condition: TSC. Review status: no classification provided. Criteria: Tuberous Sclerosis Database Assertion Criteria 2015. Collection method: curation. Allele origin: germline. Affected: yes and no. Not counted in ClinVar's aggregate classification.

NM_000368.5(TSC1):c.*1468C>T

Gene: TSC1 (TSC complex subunit 1; minus strand). Cytogenetic location: 9q34.13.
Variant type: single nucleotide variant.
Coding change: c.*1468C>T on transcript NM_000368.5 (MANE Select); 1468 bases downstream of the stop codon, C replaced by T.
Molecular consequence: 3 prime UTR variant.
Genome position (GRCh38, 1-based): chr9:132,894,767, G>A on the plus strand (C>T on the coding strand, the complement: TSC1 is on the minus strand). VCF-style: chr9-132894767-G-A. GRCh37 (hg19) VCF-style: chr9-135770154-G-A.
Other names: c.*1468C>T (NM_001162426.2, NM_001162427.2, NM_001362177.2).
Identifiers: ClinVar variation 64739 (VCV000064739.5), dbSNP rs72759433, ClinGen allele CA004885.
Genomic context (GRCh38, chr9:132,894,767, plus strand): 5'-AAAAAAAAAGACTTTCATTCTCTCTGCTCGAGGCCTCCGTGGGCACTAAGATTTCGTACC[G>A]TGACAGTTTTTTACCTCTTTATGACTGAATCCTTCTATTCTTTTTAATGAAAGATAGAAA-3'